The following is an entry in ClinVar:

NM_000397.4(CYBB):c.1081T>A (p.Trp361Arg)

Gene: CYBB (cytochrome b-245 beta chain; plus strand). Cytogenetic location: Xp11.4.
Variant type: single nucleotide variant.
Coding change: c.1081T>A on transcript NM_000397.4 (MANE Select); coding-DNA position 1081, T replaced by A.
Protein change: p.Trp361Arg; replaces tryptophan 361 with arginine.
Molecular consequence: missense variant.
Genome position (GRCh38, 1-based): chrX:37,804,060, T>A. VCF-style: chrX-37804060-T-A. GRCh37 (hg19) VCF-style: chrX-37663313-T-A.
Other names: short protein forms W361R.
Identifiers: ClinVar variation 2809842 (VCV002809842.3), dbSNP rs2519208804, ClinGen allele CA412977424.

ClinVar aggregate classification (germline): Likely pathogenic (1 of 4 stars; one submission).

Conditions:
Granulomatous disease, chronic, X-linked. Also called: GRANULOMATOUS DISEASE, CHRONIC, X-LINKED, SOMATIC MOSAIC; CYTOCHROME b-NEGATIVE GRANULOMATOUS DISEASE, CHRONIC, X-LINKED. Identifiers: Orphanet 379, MedGen C1844376, MONDO:0010600, OMIM 306400.

Submission:

Labcorp Genetics (formerly Invitae), Labcorp
Classification: Likely pathogenic for Granulomatous disease, chronic, X-linked. Last evaluated: 2022-10-26. Review status: criteria provided, single submitter. Criteria: Invitae Variant Classification Sherloc (09022015). Collection method: clinical testing. Allele origin: germline.
Comment: This missense change has been observed in individuals with chronic granulomatous disease (PMID: 18708296, 29560547). In summary, the currently available evidence indicates that the variant is pathogenic, but additional data are needed to prove that conclusively. Therefore, this variant has been classified as Likely Pathogenic. This variant disrupts the p.Trp361 amino acid residue in CYBB. Other variant(s) that disrupt this residue have been observed in individuals with CYBB-related conditions (PMID: 18708296, 26185101, 29560547), which suggests that this may be a clinically significant amino acid residue. Advanced modeling of protein sequence and biophysical properties (such as structural, functional, and spatial information, amino acid conservation, physicochemical variation, residue mobility, and thermodynamic stability) performed at Invitae indicates that this missense variant is expected to disrupt CYBB protein function. This variant is not present in population databases (gnomAD no frequency). This sequence change replaces tryptophan, which is neutral and slightly polar, with arginine, which is basic and polar, at codon 361 of the CYBB protein (p.Trp361Arg).

Literature cited by the submitters: PubMed 18708296; PubMed 29560547; PubMed 26185101.